The following is an entry in ClinVar:

NM_001165963.4(SCN1A):c.2831T>C (p.Val944Ala)

Gene: SCN1A (sodium voltage-gated channel alpha subunit 1; minus strand). Cytogenetic location: 2q24.3.
Variant type: single nucleotide variant.
Coding change: c.2831T>C on transcript NM_001165963.4 (MANE Select); coding-DNA position 2831, T replaced by C.
Protein change: p.Val944Ala; replaces valine 944 with alanine.
Molecular consequence: missense variant. On other transcripts: non-coding transcript variant (1).
Genome position (GRCh38, 1-based): chr2:166,037,891, A>G on the plus strand (T>C on the coding strand, the complement: SCN1A is on the minus strand). VCF-style: chr2-166037891-A-G. GRCh37 (hg19) VCF-style: chr2-166894401-A-G.
Other names: c.2747T>C, p.Val916Ala (NM_001165964.3, NM_001353957.2, NM_001353958.2); c.2831T>C, p.Val944Ala (NM_001202435.3, NM_001353948.2); c.2798T>C, p.Val933Ala (NM_001353949.2, NM_001353950.2, NM_001353951.2 and 2 more transcripts); c.2795T>C, p.Val932Ala (NM_001353954.2, NM_001353955.2); c.2744T>C, p.Val915Ala (NM_001353960.2); c.389T>C, p.Val130Ala (NM_001353961.2); short protein forms V933A, V944A, V916A, V932A, V130A, V915A.
Identifiers: ClinVar variation 68602 (VCV000068602.10), dbSNP rs121917969, ClinGen allele CA285093.

ClinVar aggregate classification (germline): Pathogenic. Review status: criteria provided, single submitter (1 of 4 stars). 2 submissions from 2 submitters: Pathogenic (1). 1 of the submissions does not count toward it. Last evaluated 2022-06-27.

Conditions:
Early-infantile DEE. Also called: Early infantile epileptic encephalopathy; Early infantile epileptic encephalopathy with suppression bursts; Ohtahara syndrome. Identifiers: Orphanet 1934, MedGen C0393706, MONDO:0800491.
Severe myoclonic epilepsy in infancy (DRVT). Also called: SEVERE MYOCLONIC EPILEPSY OF INFANCY; DEVELOPMENTAL AND EPILEPTIC ENCEPHALOPATHY 6A; Severe Myoclonic Epilepsy in Infancy (SMEI); Dravet syndrome; Epileptic encephalopathy, early infantile, 6 (Dravet syndrome). Identifiers: Orphanet 33069, MedGen C0751122, MONDO:0100135, OMIM 607208.

Submissions (2):

Labcorp Genetics (formerly Invitae), Labcorp
Classification: Pathogenic for Early-infantile DEE. Last evaluated: 2022-06-27. Review status: criteria provided, single submitter. Criteria: Invitae Variant Classification Sherloc (09022015). Collection method: clinical testing. Allele origin: germline.
Comment: ClinVar contains an entry for this variant (Variation ID: 68602). For these reasons, this variant has been classified as Pathogenic. Advanced modeling of protein sequence and biophysical properties (such as structural, functional, and spatial information, amino acid conservation, physicochemical variation, residue mobility, and thermodynamic stability) performed at Invitae indicates that this missense variant is expected to disrupt SCN1A protein function. This variant is also known as Val934Ala. This missense change has been observed in individual(s) with Dravet syndrome and intractable epilepsy (PMID: 14738421, 23195492). In at least one individual the variant was observed to be de novo. This variant is not present in population databases (gnomAD no frequency). This sequence change replaces valine, which is neutral and non-polar, with alanine, which is neutral and non-polar, at codon 944 of the SCN1A protein (p.Val944Ala).

UniProtKB/Swiss-Prot
No classification provided. Condition: Severe myoclonic epilepsy in infancy. Review status: no classification provided. Collection method: not provided. Allele origin: unknown. Not counted in ClinVar's aggregate classification.
Comment: Variants reported as p.Val934Ala in PubMed 14738421

Literature cited by the submitters: PubMed 14738421 (cited by Labcorp Genetics (formerly Invitae), Labcorp); PubMed 23195492 (cited by Labcorp Genetics (formerly Invitae), Labcorp).